The following is an entry in ClinVar:

NM_006766.5(KAT6A):c.5111A>G (p.Gln1704Arg)

Gene: KAT6A (lysine acetyltransferase 6A; minus strand). Cytogenetic location: 8p11.21.
Variant type: single nucleotide variant.
Coding change: c.5111A>G on transcript NM_006766.5 (MANE Select); coding-DNA position 5111, A replaced by G.
Protein change: p.Gln1704Arg; replaces glutamine 1704 with arginine.
Molecular consequence: missense variant.
Genome position (GRCh38, 1-based): chr8:41,933,109, T>C on the plus strand (A>G on the coding strand, the complement: KAT6A is on the minus strand). VCF-style: chr8-41933109-T-C. GRCh37 (hg19) VCF-style: chr8-41790627-T-C.
Other names: short protein forms Q1704R.
Identifiers: ClinVar variation 3336895 (VCV003336895.15).

ClinVar aggregate classification (germline): Conflicting classifications of pathogenicity. Review status: criteria provided, conflicting classifications (1 of 4 stars). 2 submissions from 2 submitters: Uncertain significance (1); Likely benign (1). Last evaluated 2024-09-01.

Submissions (2):

CeGaT Center for Human Genetics Tuebingen
Classification: Likely benign. Last evaluated: 2024-09-01. Review status: criteria provided, single submitter. Criteria: CeGaT Center For Human Genetics Tuebingen Variant Classification Criteria Version 2. Collection method: clinical testing. Allele origin: germline. Affected: yes. Observed: 1 variant allele.
Comment: KAT6A: PM2, BS2

Clinical Genetics Laboratory, Skane University Hospital Lund
Classification: Uncertain significance. Last evaluated: 2022-05-27. Review status: criteria provided, single submitter. Criteria: ACMG Guidelines, 2015. Collection method: clinical testing. Allele origin: germline. Affected: yes.